The following is an entry in ClinVar:

ClinVar aggregate classification (germline): Conflicting classifications of pathogenicity. Review status: criteria provided, conflicting classifications (1 of 4 stars). 4 submissions from 4 submitters: Uncertain significance (3); Likely benign (1). Last evaluated 2026-10-15.

Conditions:
Cardiovascular phenotype. Identifiers: MedGen CN230736.

Allele frequency attached by ClinVar (database versions not stated): TOPMed 0.00004; gnomAD exomes 0.00006; ExAC 0.00018.
gnomAD v4.1: 42 of 1,550,046 alleles (0.0027%); highest among the groups gnomAD compares: Admixed American, 0.002%; no homozygotes.

Submissions (4):

GeneDx
Classification: Uncertain significance. Last evaluated: 2026-10-15. Review status: criteria provided, single submitter. Criteria: GeneDx Variant Classification Process June 2021. Collection method: clinical testing. Allele origin: germline.
Comment: In silico analysis suggests that this missense variant does not alter protein structure/function; Has not been previously published as pathogenic or benign to our knowledge

Women's Health and Genetics/Laboratory Corporation of America, LabCorp
Classification: Uncertain significance. Last evaluated: 2026-04-29. Review status: criteria provided, single submitter. Criteria: LabCorp Variant Classification Summary - May 2015. Collection method: clinical testing. Allele origin: germline.
Comment: Variant summary: ZNF469 c.749T>A (p.Val250Asp) results in a non-conservative amino acid change in the encoded protein sequence. Algorithms developed to predict the effect of missense changes on protein structure and function are either unavailable or do not agree on the potential impact of this missense change. The variant allele was found at a frequency of 6e-05 in 150780 control chromosomes. The available data on variant occurrences in the general population are insufficient to allow any conclusion about variant significance. To our knowledge, no occurrence of c.749T>A in individuals affected with ZNF469-related conditions and no experimental evidence demonstrating its impact on protein function have been reported. ClinVar contains an entry for this variant (Variation ID: 451953). Based on the evidence outlined above, the variant was classified as uncertain significance.

Labcorp Genetics (formerly Invitae), Labcorp
Classification: Uncertain significance. Last evaluated: 2024-12-12. Review status: criteria provided, single submitter. Criteria: Invitae Variant Classification Sherloc (09022015). Collection method: clinical testing. Allele origin: germline.
Comment: This sequence change replaces valine, which is neutral and non-polar, with aspartic acid, which is acidic and polar, at codon 250 of the ZNF469 protein (p.Val250Asp). This variant is present in population databases (rs764273631, gnomAD 0.07%). This variant has not been reported in the literature in individuals affected with ZNF469-related conditions. ClinVar contains an entry for this variant (Variation ID: 451953). An algorithm developed to predict the effect of missense changes on protein structure and function (PolyPhen-2) suggests that this variant¬†is likely to be tolerated. In summary, the available evidence is currently insufficient to determine the role of this variant in disease. Therefore, it has been classified as a Variant of Uncertain Significance.

Ambry Genetics
Classification: Likely benign for Cardiovascular phenotype. Last evaluated: 2024-12-06. Review status: criteria provided, single submitter. Criteria: Ambry Variant Classification Scheme 2023. Collection method: clinical testing. Allele origin: germline.

NM_001367624.2(ZNF469):c.749T>A (p.Val250Asp)

Gene: ZNF469 (zinc finger protein 469; plus strand). Cytogenetic location: 16q24.2.
Variant type: single nucleotide variant.
Coding change: c.749T>A on transcript NM_001367624.2 (MANE Select); coding-DNA position 749, T replaced by A.
Protein change: p.Val250Asp; replaces valine 250 with aspartic acid.
Molecular consequence: missense variant.
Genome position (GRCh38, 1-based): chr16:88,428,219, T>A. VCF-style: chr16-88428219-T-A. GRCh37 (hg19) VCF-style: chr16-88494627-T-A.
Other names: NM_001127464.1:c.749T>A; short protein forms V250D.
Identifiers: ClinVar variation 451953 (VCV000451953.6), dbSNP rs764273631, ClinGen allele CA8224620.